The following is an entry in ClinVar:

NM_024649.5(BBS1):c.800G>C (p.Cys267Ser)

Genes: BBS1 (Bardet-Biedl syndrome 1; plus strand), ZDHHC24 (zDHHC palmitoyltransferase 24; minus strand). Cytogenetic location: 11q13.2.
Variant type: single nucleotide variant.
Coding change: c.800G>C on transcript NM_024649.5 (MANE Select); coding-DNA position 800, G replaced by C.
Protein change: p.Cys267Ser; replaces cysteine 267 with serine.
Molecular consequence: missense variant. On other transcripts: 3 prime UTR variant (1).
Genome position (GRCh38, 1-based): chr11:66,521,346, G>C. VCF-style: chr11-66521346-G-C. GRCh37 (hg19) VCF-style: chr11-66288817-G-C.
Other names: c.*142C>G (NM_001348571.2); short protein forms C267S.
Identifiers: ClinVar variation 4999981 (VCV004999981.1).

ClinVar aggregate classification (germline): Uncertain significance (1 of 4 stars; one submission).

Conditions:
BBS1-related disorder. Also called: BBS1-related condition.

Submission:

PreventionGenetics, part of Exact Sciences
Classification: Uncertain significance for BBS1-related condition. Last evaluated: 2024-11-11. Review status: criteria provided, single submitter. Criteria: ACMG Guidelines, 2015. Collection method: clinical testing. Allele origin: germline.
Comment: The BBS1 c.800G>C variant is predicted to result in the amino acid substitution p.Cys267Ser. To our knowledge, this variant has not been reported in the literature or in a large population database (gnomAD), indicating this variant is rare. At this time, the clinical significance of this variant is uncertain due to the absence of conclusive functional and genetic evidence.